The following is an entry in ClinVar:

ClinVar aggregate classification (germline): Uncertain significance. Review status: criteria provided, multiple submitters, no conflicts (2 of 4 stars). 2 submissions from 2 submitters: Uncertain significance (2). Last evaluated 2024-08-28.

Conditions:
Hereditary cancer-predisposing syndrome. Also called: Neoplastic Syndromes, Hereditary; Tumor predisposition; Hereditary neoplastic syndrome; Hereditary Cancer Syndrome. Identifiers: Orphanet 140162, MedGen C0027672, MeSH D009386, MONDO:0015356.
DICER1-related tumor predisposition. Also called: DICER1-related pleuropulmonary blastoma cancer predisposition syndrome; DICER1 syndrome. Identifiers: Orphanet 284343, MedGen C3839822, MONDO:0100216.

Submissions (2):

Ambry Genetics
Classification: Uncertain significance for Hereditary cancer-predisposing syndrome. Last evaluated: 2024-08-28. Review status: criteria provided, single submitter. Criteria: Ambry Variant Classification Scheme 2023. Collection method: clinical testing. Allele origin: germline.
Comment: The p.E1638G variant (also known as c.4913A>G), located in coding exon 22 of the DICER1 gene, results from an A to G substitution at nucleotide position 4913. The glutamic acid at codon 1638 is replaced by glycine, an amino acid with similar properties. This amino acid position is not well conserved in available vertebrate species. In addition, the in silico prediction for this alteration is inconclusive. Based on the available evidence, the clinical significance of this variant remains unclear.

Labcorp Genetics (formerly Invitae), Labcorp
Classification: Uncertain significance for DICER1-related tumor predisposition. Last evaluated: 2023-10-29. Review status: criteria provided, single submitter. Criteria: Invitae Variant Classification Sherloc (09022015). Collection method: clinical testing. Allele origin: germline.
Comment: This sequence change replaces glutamic acid, which is acidic and polar, with glycine, which is neutral and non-polar, at codon 1638 of the DICER1 protein (p.Glu1638Gly). This variant is not present in population databases (gnomAD no frequency). This variant has not been reported in the literature in individuals affected with DICER1-related conditions. ClinVar contains an entry for this variant (Variation ID: 1494240). An algorithm developed to predict the effect of missense changes on protein structure and function (PolyPhen-2) suggests that this variant is likely to be tolerated. In summary, the available evidence is currently insufficient to determine the role of this variant in disease. Therefore, it has been classified as a Variant of Uncertain Significance.

NM_177438.3(DICER1):c.4913A>G (p.Glu1638Gly)

Gene: DICER1 (dicer 1, ribonuclease III; minus strand). Cytogenetic location: 14q32.13.
Variant type: single nucleotide variant.
Coding change: c.4913A>G on transcript NM_177438.3 (MANE Select); coding-DNA position 4913, A replaced by G.
Protein change: p.Glu1638Gly; replaces glutamic acid 1638 with glycine.
Molecular consequence: missense variant.
Genome position (GRCh38, 1-based): chr14:95,096,007, T>C on the plus strand (A>G on the coding strand, the complement: DICER1 is on the minus strand). VCF-style: chr14-95096007-T-C. GRCh37 (hg19) VCF-style: chr14-95562344-T-C.
Other names: c.4913A>G, p.Glu1638Gly (NM_001195573.1, NM_001271282.3, NM_001291628.2 and 1 more transcripts); short protein forms E1638G.
Identifiers: ClinVar variation 1494240 (VCV001494240.12), dbSNP rs2139840516, ClinGen allele CA390866329.